The following is an entry in ClinVar:

ClinVar aggregate classification (germline): Likely benign. Review status: criteria provided, multiple submitters, no conflicts (2 of 4 stars). 2 submissions from 2 submitters: Likely benign (2). Last evaluated 2026-01-01.

Allele frequency attached by ClinVar (database versions not stated): gnomAD exomes 0.00014 and 0.00006; ExAC 0.00019; 1000 Genomes Project 30x 0.00078; 1000 Genomes Project 0.00100; TOPMed 0.00005; gnomAD 0.00006 and 0.00009.
gnomAD v4.1: 102 of 1,614,148 alleles (0.0063%); highest among the groups gnomAD compares: South Asian, 0.087%; no homozygotes.

Submissions (2):

CeGaT Center for Human Genetics Tuebingen
Classification: Likely benign. Last evaluated: 2026-01-01. Review status: criteria provided, single submitter. Criteria: CeGaT Center For Human Genetics Tuebingen Variant Classification Criteria Version 2. Collection method: clinical testing. Allele origin: germline. Affected: yes. Observed: 3 variant alleles.
Comment: TRAIP: BP4, BP7

Labcorp Genetics (formerly Invitae), Labcorp
Classification: Likely benign. Last evaluated: 2025-12-03. Review status: criteria provided, single submitter. Criteria: Invitae Variant Classification Sherloc (09022015). Collection method: clinical testing. Allele origin: germline.

NM_005879.3(TRAIP):c.603T>C (p.Cys201=)

Gene: TRAIP (TRAF interacting protein; minus strand). Cytogenetic location: 3p21.31.
Variant type: single nucleotide variant.
Coding change: c.603T>C on transcript NM_005879.3 (MANE Select); coding-DNA position 603, T replaced by C.
Protein change: p.Cys201=; no amino-acid change (cysteine 201 retained).
Molecular consequence: synonymous variant.
Genome position (GRCh38, 1-based): chr3:49,841,840, A>G on the plus strand (T>C on the coding strand, the complement: TRAIP is on the minus strand). VCF-style: chr3-49841840-A-G. GRCh37 (hg19) VCF-style: chr3-49879273-A-G.
Identifiers: ClinVar variation 733601 (VCV000733601.22), dbSNP rs531391341, ClinGen allele CA2407767.